The following is an entry in ClinVar:

ClinVar aggregate classification (germline): Uncertain significance. Review status: criteria provided, multiple submitters, no conflicts (2 of 4 stars). 2 submissions from 2 submitters: Uncertain significance (2). Last evaluated 2025-05-05.

Conditions:
Inborn genetic diseases. Identifiers: MedGen C0950123, MeSH D030342.

Allele frequency attached by ClinVar (database versions not stated): gnomAD exomes 0.00001.
gnomAD v4.1: 3 of 1,613,364 alleles (0.00019%); highest among the groups gnomAD compares: Admixed American, 0.005%; no homozygotes.

Submissions (2):

Labcorp Genetics (formerly Invitae), Labcorp
Classification: Uncertain significance. Last evaluated: 2025-05-05. Review status: criteria provided, single submitter. Criteria: Invitae Variant Classification Sherloc (09022015). Collection method: clinical testing. Allele origin: germline.
Comment: This sequence change replaces valine, which is neutral and non-polar, with methionine, which is neutral and non-polar, at codon 591 of the IARS2 protein (p.Val591Met). This variant is not present in population databases (gnomAD no frequency). This variant has not been reported in the literature in individuals affected with IARS2-related conditions. ClinVar contains an entry for this variant (Variation ID: 1920203). An algorithm developed to predict the effect of missense changes on protein structure and function (PolyPhen-2) suggests that this variant is likely to be disruptive. In summary, the available evidence is currently insufficient to determine the role of this variant in disease. Therefore, it has been classified as a Variant of Uncertain Significance.

Ambry Genetics
Classification: Uncertain significance for Inborn genetic diseases. Last evaluated: 2025-04-29. Review status: criteria provided, single submitter. Criteria: Ambry Variant Classification Scheme 2023. Collection method: clinical testing. Allele origin: germline.

NM_018060.4(IARS2):c.1771G>A (p.Val591Met)

Gene: IARS2 (isoleucyl-tRNA synthetase 2, mitochondrial; plus strand). Cytogenetic location: 1q41.
Variant type: single nucleotide variant.
Coding change: c.1771G>A on transcript NM_018060.4 (MANE Select); coding-DNA position 1771, G replaced by A.
Protein change: p.Val591Met; replaces valine 591 with methionine.
Molecular consequence: missense variant.
Genome position (GRCh38, 1-based): chr1:220,126,777, G>A. VCF-style: chr1-220126777-G-A. GRCh37 (hg19) VCF-style: chr1-220300119-G-A.
Other names: c.1771G>A (NM_018060.3); short protein forms V591M.
Identifiers: ClinVar variation 1920203 (VCV001920203.6), dbSNP rs2528552429, ClinGen allele CA344639597.